The following is an entry in ClinVar:

NM_000053.4(ATP7B):c.3584C>T (p.Ala1195Val)

Gene: ATP7B (ATPase copper transporting beta; minus strand). Cytogenetic location: 13q14.3.
Variant type: single nucleotide variant.
Coding change: c.3584C>T on transcript NM_000053.4 (MANE Select); coding-DNA position 3584, C replaced by T.
Protein change: p.Ala1195Val; replaces alanine 1195 with valine.
Molecular consequence: missense variant.
Genome position (GRCh38, 1-based): chr13:51,939,166, G>A on the plus strand (C>T on the coding strand, the complement: ATP7B is on the minus strand). VCF-style: chr13-51939166-G-A. GRCh37 (hg19) VCF-style: chr13-52513302-G-A.
Other names: c.2963C>T, p.Ala988Val (NM_001005918.3); c.3251C>T, p.Ala1084Val (NM_001243182.2); c.3350C>T, p.Ala1117Val (NM_001330578.2); c.3332C>T, p.Ala1111Val (NM_001330579.2); short protein forms A1084V, A1111V, A1117V, A1195V, A988V.
Identifiers: ClinVar variation 1513874 (VCV001513874.5), dbSNP rs2138671758, ClinGen allele CA388024554.

ClinVar aggregate classification (germline): Likely pathogenic (1 of 4 stars; one submission).

Conditions:
Wilson disease (WND). Also called: Wilson's disease. Identifiers: Orphanet 905, MedGen C0019202, MONDO:0010200, OMIM 277900. Disease mechanism: loss of function.

Allele frequency attached by ClinVar (database versions not stated): gnomAD exomes below 0.00001.
gnomAD v4.1: 1 of 1,613,958 alleles (0.000062%); highest among the groups gnomAD compares: Non-Finnish European, 0.000085%; no homozygotes.

Submission:

Labcorp Genetics (formerly Invitae), Labcorp
Classification: Likely pathogenic for Wilson disease. Last evaluated: 2021-08-24. Review status: criteria provided, single submitter. Criteria: Invitae Variant Classification Sherloc (09022015). Collection method: clinical testing. Allele origin: germline.
Comment: This sequence change replaces alanine with valine at codon 1195 of the ATP7B protein (p.Ala1195Val). The alanine residue is highly conserved and there is a small physicochemical difference between alanine and valine. This variant is not present in population databases (ExAC no frequency). This missense change has been observed in individual(s) with Wilson disease (PMID: 27398169). Advanced modeling of protein sequence and biophysical properties (such as structural, functional, and spatial information, amino acid conservation, physicochemical variation, residue mobility, and thermodynamic stability) performed at Invitae indicates that this missense variant is expected to disrupt ATP7B protein function. In summary, the currently available evidence indicates that the variant is pathogenic, but additional data are needed to prove that conclusively. Therefore, this variant has been classified as Likely Pathogenic.

Literature cited by the submitters: PubMed 27398169.